The following is an entry in ClinVar:

ClinVar aggregate classification (germline): Conflicting classifications of pathogenicity. Review status: criteria provided, conflicting classifications (1 of 4 stars). 7 submissions from 7 submitters: Uncertain significance (5); Benign (1); Likely benign (1). Last evaluated 2025-02-18.

Conditions:
Inborn genetic diseases. Identifiers: MedGen C0950123, MeSH D030342.
Thrombocytopenia 2 (THC2). Also called: ANKRD26-Related Thrombocytopenia. Identifiers: Orphanet 268322, MedGen C1861185, MONDO:0008555, OMIM 188000.

Allele frequency attached by ClinVar (database versions not stated): gnomAD 0.00006; gnomAD exomes 0.00006; ExAC 0.00007; TOPMed 0.00011.
gnomAD v4.1: 94 of 1,605,468 alleles (0.0059%); highest among the groups gnomAD compares: Admixed American, 0.02%; no homozygotes.

Submissions (7):

Labcorp Genetics (formerly Invitae), Labcorp
Classification: Uncertain significance. Last evaluated: 2025-02-18. Review status: criteria provided, single submitter. Criteria: Invitae Variant Classification Sherloc (09022015). Collection method: clinical testing. Allele origin: germline.
Comment: This sequence change replaces aspartic acid, which is acidic and polar, with histidine, which is basic and polar, at codon 1546 of the ANKRD26 protein (p.Asp1546His). This variant is present in population databases (rs753924410, gnomAD 0.03%). This variant has not been reported in the literature in individuals affected with ANKRD26-related conditions. ClinVar contains an entry for this variant (Variation ID: 434206). An algorithm developed to predict the effect of missense changes on protein structure and function (PolyPhen-2) suggests that this variant is likely to be disruptive. In summary, the available evidence is currently insufficient to determine the role of this variant in disease. Therefore, it has been classified as a Variant of Uncertain Significance.

Ambry Genetics
Classification: Uncertain significance for Inborn genetic diseases. Last evaluated: 2024-10-04. Review status: criteria provided, single submitter. Criteria: Ambry Variant Classification Scheme 2023. Collection method: clinical testing. Allele origin: germline.
Comment: The p.D1546H variant (also known as c.4636G>C), located in coding exon 31 of the ANKRD26 gene, results from a G to C substitution at nucleotide position 4636. The aspartic acid at codon 1546 is replaced by histidine, an amino acid with similar properties. This amino acid position is conserved. In addition, this alteration is predicted to be tolerated by in silico analysis. Based on the available evidence, the clinical significance of this variant remains unclear.

GeneDx
Classification: Uncertain significance. Last evaluated: 2023-10-09. Review status: criteria provided, single submitter. Criteria: GeneDx Variant Classification Process June 2021. Collection method: clinical testing. Allele origin: germline.
Comment: In silico analysis supports that this missense variant has a deleterious effect on protein structure/function; Has not been previously published as pathogenic or benign to our knowledge

Blueprint Genetics
Classification: Likely benign. Last evaluated: 2020-11-06. Review status: criteria provided, single submitter. Criteria: ACMG Guidelines, 2015. Collection method: clinical testing. Allele origin: germline.

Baylor Genetics
Classification: Uncertain significance for Thrombocytopenia 2. Last evaluated: 2019-09-26. Review status: criteria provided, single submitter. Criteria: ACMG Guidelines, 2015. Collection method: clinical testing. Allele origin: unknown. Affected: yes.
Comment: This variant was determined to be of uncertain significance according to ACMG Guidelines, 2015 [PMID:25741868].

Illumina Laboratory Services, Illumina
Classification: Benign for Thrombocytopenia 2. Last evaluated: 2018-01-13. Review status: criteria provided, single submitter. Criteria: ICSL Variant Classification Criteria 13 December 2019. Collection method: clinical testing. Allele origin: germline.
Comment: This variant was observed in the ICSL laboratory as part of a predisposition screen in an ostensibly healthy population. It had not been previously curated by ICSL or reported in the Human Gene Mutation Database (HGMD: prior to June 1st, 2018), and was therefore a candidate for classification through an automated scoring system. Utilizing variant allele frequency, disease prevalence and penetrance estimates, and inheritance mode, an automated score was calculated to assess if this variant is too frequent to cause the disease. Based on the score and internal cut-off values, a variant classified as benign is not then subjected to further curation. The score for this variant resulted in a classification of benign for this disease.

Genetic Services Laboratory, University of Chicago
Classification: Uncertain significance. Last evaluated: 2016-09-13. Review status: criteria provided, single submitter. Criteria: ACMG Guidelines, 2015. Collection method: clinical testing. Allele origin: germline. Affected: no.

NM_014915.3(ANKRD26):c.4636G>C (p.Asp1546His)

Gene: ANKRD26 (ankyrin repeat domain 26; minus strand). Cytogenetic location: 10p12.1.
Variant type: single nucleotide variant.
Coding change: c.4636G>C on transcript NM_014915.3 (MANE Select); coding-DNA position 4636, G replaced by C.
Protein change: p.Asp1546His; replaces aspartic acid 1546 with histidine.
Molecular consequence: missense variant.
Genome position (GRCh38, 1-based): chr10:27,014,582, C>G on the plus strand (G>C on the coding strand, the complement: ANKRD26 is on the minus strand). VCF-style: chr10-27014582-C-G. GRCh37 (hg19) VCF-style: chr10-27303511-C-G.
Other names: c.4633G>C, p.Asp1545His (NM_001256053.2); short protein forms D1546H, D1545H.
Identifiers: ClinVar variation 434206 (VCV000434206.22), dbSNP rs753924410, ClinGen allele CA5447755.